The following is an entry in ClinVar:

ClinVar aggregate classification (germline): Likely benign. Review status: criteria provided, single submitter (1 of 4 stars). 2 submissions from 2 submitters: Likely benign (1). 1 of the submissions does not count toward it. Last evaluated 2018-09-11.

Conditions:
ITPR3-related disorder. Also called: ITPR3-related condition.

Allele frequency attached by ClinVar (database versions not stated): gnomAD exomes 0.00049; ExAC 0.00061; 1000 Genomes Project 30x 0.00094; 1000 Genomes Project 0.00120; gnomAD 0.00175 and 0.00185; ESP Exome Variant Server 0.00177; TOPMed 0.00189.
gnomAD v4.1: 606 of 1,613,806 alleles (0.038%); highest among the groups gnomAD compares: African/African-American, 0.6%; 1 homozygote.

Submissions (2):

Labcorp Genetics (formerly Invitae), Labcorp
Classification: Likely benign. Last evaluated: 2018-09-11. Review status: criteria provided, single submitter. Criteria: Invitae Variant Classification Sherloc (09022015). Collection method: clinical testing. Allele origin: germline.

PreventionGenetics, part of Exact Sciences
Classification: Likely benign for ITPR3-related condition. Last evaluated: 2020-01-20. Review status: no assertion criteria provided. Collection method: clinical testing. Allele origin: germline. Not counted in ClinVar's aggregate classification.
Comment: This variant is classified as likely benign based on ACMG/AMP sequence variant interpretation guidelines (Richards et al. 2015 PMID: 25741868, with internal and published modifications).

NM_002224.4(ITPR3):c.4014T>A (p.Asp1338Glu)

Gene: ITPR3 (inositol 1,4,5-trisphosphate receptor type 3; plus strand). Cytogenetic location: 6p21.31.
Variant type: single nucleotide variant.
Coding change: c.4014T>A on transcript NM_002224.4 (MANE Select); coding-DNA position 4014, T replaced by A.
Protein change: p.Asp1338Glu; replaces aspartic acid 1338 with glutamic acid.
Molecular consequence: missense variant.
Genome position (GRCh38, 1-based): chr6:33,679,923, T>A. VCF-style: chr6-33679923-T-A. GRCh37 (hg19) VCF-style: chr6-33647700-T-A.
Other names: short protein forms D1338E.
Identifiers: ClinVar variation 725316 (VCV000725316.5), dbSNP rs147873398, ClinGen allele CA3761113.